The following is an entry in ClinVar:

ClinVar aggregate classification (germline): Likely benign. Review status: criteria provided, multiple submitters, no conflicts (2 of 4 stars). 2 submissions from 2 submitters: Likely benign (2). Last evaluated 2023-11-13.

Conditions:
Muscular dystrophy-dystroglycanopathy (congenital with brain and eye anomalies), type A2. Also called: MUSCULAR DYSTROPHY-DYSTROGLYCANOPATHY (CONGENITAL WITH BRAIN AND EYE ANOMALIES), TYPE A, 2; WALKER-WARBURG SYNDROME OR MUSCLE-EYE-BRAIN DISEASE, POMT2-RELATED. Identifiers: Orphanet 588, Orphanet 899, MedGen C3150411, MONDO:0013154, OMIM 613150.
Muscular dystrophy-dystroglycanopathy (congenital with impaired intellectual development), type B, 2. Also called: Muscular dystrophy-dystroglycanopathy (congenital with intellectual disability), type B2; MUSCULAR DYSTROPHY, CONGENITAL, POMT2-RELATED. Identifiers: MedGen C3150416, MONDO:0013160, OMIM 613156.
Autosomal recessive limb-girdle muscular dystrophy type 2N. Also called: MUSCULAR DYSTROPHY-DYSTROGLYCANOPATHY, LIMB-GIRDLE, POMT2-RELATED; Muscular dystrophy-dystroglycanopathy (limb-girdle), type C, 2. Identifiers: Orphanet 206559, MedGen C3150418, MONDO:0013162, OMIM 613158.

Allele frequency attached by ClinVar (database versions not stated): TOPMed below 0.00001; gnomAD exomes 0.00001; gnomAD 0.00001; ExAC 0.00002.
gnomAD v4.1: 6 of 1,614,046 alleles (0.00037%); highest among the groups gnomAD compares: Non-Finnish European, 0.00051%; no homozygotes.

Submissions (2):

Labcorp Genetics (formerly Invitae), Labcorp
Classification: Likely benign for Muscular dystrophy-dystroglycanopathy (congenital with impaired intellectual development), type B, 2; Muscular dystrophy-dystroglycanopathy (congenital with brain and eye anomalies), type A2; Autosomal recessive limb-girdle muscular dystrophy type 2N. Last evaluated: 2023-11-13. Review status: criteria provided, single submitter. Criteria: Invitae Variant Classification Sherloc (09022015). Collection method: clinical testing. Allele origin: germline.

GeneDx
Classification: Likely benign. Last evaluated: 2016-10-12. Review status: criteria provided, single submitter. Criteria: GeneDx Variant Classification (06012015). Collection method: clinical testing. Allele origin: germline. Affected: yes.
Comment: This variant is considered likely benign or benign based on one or more of the following criteria: it is a conservative change, it occurs at a poorly conserved position in the protein, it is predicted to be benign by multiple in silico algorithms, and/or has population frequency not consistent with disease.

NM_013382.7(POMT2):c.1254-7C>T

Gene: POMT2 (protein O-mannosyltransferase 2; minus strand). Cytogenetic location: 14q24.3.
Variant type: single nucleotide variant.
Coding change: c.1254-7C>T on transcript NM_013382.7 (MANE Select); 7 bases into the intron before coding-DNA position 1254, C replaced by T.
Molecular consequence: intron variant.
Genome position (GRCh38, 1-based): chr14:77,286,829, G>A on the plus strand (C>T on the coding strand, the complement: POMT2 is on the minus strand). VCF-style: chr14-77286829-G-A. GRCh37 (hg19) VCF-style: chr14-77753172-G-A.
Identifiers: ClinVar variation 389910 (VCV000389910.9), dbSNP rs753987994, ClinGen allele CA7285908.